The following is an entry in ClinVar:

ClinVar aggregate classification (germline): Uncertain significance. Review status: criteria provided, multiple submitters, no conflicts (2 of 4 stars). 2 submissions from 2 submitters: Uncertain significance (2). Last evaluated 2019-08-30.

Conditions:
Inborn genetic diseases. Identifiers: MedGen C0950123, MeSH D030342.

Allele frequency attached by ClinVar (database versions not stated): TOPMed below 0.00001.
gnomAD v4.1: 1 of 1,614,074 alleles (0.000062%); highest among the groups gnomAD compares: Non-Finnish European, 0.000085%; no homozygotes.

Submissions (2):

GeneDx
Classification: Uncertain significance. Last evaluated: 2019-08-30. Review status: criteria provided, single submitter. Criteria: GeneDx Variant Classification Process June 2021. Collection method: clinical testing. Allele origin: germline. Affected: yes.
Comment: Not observed in large population cohorts (Lek et al., 2016); The majority of missense variants in this gene are considered pathogenic (Stenson et al., 2014); In silico analysis, which includes protein predictors and evolutionary conservation, supports a deleterious effect; Has not been previously published as pathogenic or benign to our knowledge; This substitution is predicted to be within the cytoplasmic loop between the first and second homologous domains

Ambry Genetics
Classification: Uncertain significance for Inborn genetic diseases. Last evaluated: 2017-05-10. Review status: criteria provided, single submitter. Criteria: Ambry Variant Classification Scheme 2023. Collection method: clinical testing. Allele origin: germline.
Comment: The p.S576R variant (also known as c.1728C>G), located in coding exon 11 of the SCN2A gene, results from a C to G substitution at nucleotide position 1728. The serine at codon 576 is replaced by arginine, an amino acid with dissimilar properties. This amino acid position is highly conserved in available vertebrate species. In addition, this alteration is predicted to be deleterious by in silico analysis. Since supporting evidence is limited at this time, the clinical significance of this alteration remains unclear.

NM_001040142.2(SCN2A):c.1728C>G (p.Ser576Arg)

Gene: SCN2A (sodium voltage-gated channel alpha subunit 2; plus strand). Cytogenetic location: 2q24.3.
Variant type: single nucleotide variant.
Coding change: c.1728C>G on transcript NM_001040142.2 (MANE Select); coding-DNA position 1728, C replaced by G.
Protein change: p.Ser576Arg; replaces serine 576 with arginine.
Molecular consequence: missense variant.
Genome position (GRCh38, 1-based): chr2:165,323,212, C>G. VCF-style: chr2-165323212-C-G. GRCh37 (hg19) VCF-style: chr2-166179722-C-G.
Other names: c.1728C>G, p.Ser576Arg (NM_001040143.2, NM_001371246.1, NM_001371247.1 and 1 more transcripts); short protein forms S576R.
Identifiers: ClinVar variation 589772 (VCV000589772.8), dbSNP rs1382196994, ClinGen allele CA349026495.
Genomic context (GRCh38, chr2:165,323,212, plus strand): 5'-ATAGTCCTTACTGAGCATCCGTGGCTCCCTTTTCTCTCCAAGACGCAACAGTAGGGCGAG[C>G]CTTTTCAGCTTCAGAGGTCGAGCAAAGGACATTGGCTCTGAGAATGACTTTGCTGATGAT-3'
Protein context (NP_001035232.1, residues 566-586): LFSPRRNSRA[Ser576Arg]LFSFRGRAKD